The following is an entry in ClinVar:

NM_000232.5(SGCB):c.31C>T (p.Gln11Ter)

Genes: SGCB (sarcoglycan beta; minus strand), LOC129992585 (ATAC-STARR-seq lymphoblastoid silent region 15421; plus strand). Cytogenetic location: 4q12.
Variant type: single nucleotide variant.
Coding change: c.31C>T on transcript NM_000232.5 (MANE Select); coding-DNA position 31, C replaced by T.
Protein change: p.Gln11Ter; replaces glutamine 11 with a stop codon.
Molecular consequence: nonsense.
Genome position (GRCh38, 1-based): chr4:52,038,229, G>A on the plus strand (C>T on the coding strand, the complement: SGCB is on the minus strand). VCF-style: chr4-52038229-G-A. GRCh37 (hg19) VCF-style: chr4-52904395-G-A.
Other names: short protein forms Q11*.
Identifiers: ClinVar variation 284502 (VCV000284502.63), dbSNP rs752492870, ClinGen allele CA10604818.

ClinVar aggregate classification (germline): Pathogenic/Likely pathogenic. Review status: criteria provided, multiple submitters, no conflicts (2 of 4 stars). 8 submissions from 7 submitters: Pathogenic (6); Likely pathogenic (2). Last evaluated 2025-12-19.

Conditions:
Limb-girdle muscular dystrophy, recessive. Identifiers: MedGen CN239352.
Qualitative or quantitative defects of beta-sarcoglycan. Identifiers: Orphanet 207063, MedGen C2930900, MONDO:0016142.
Autosomal recessive limb-girdle muscular dystrophy type 2E (LGMDR4). Also called: MUSCULAR DYSTROPHY, LIMB-GIRDLE, AUTOSOMAL RECESSIVE 4. Identifiers: Orphanet 119, MedGen C1858593, MONDO:0011423, OMIM 604286. Disease mechanism: Affects gamma-sarcoglycan and also disrupts the integrity of the entire sarcoglycan complex..

Allele frequency attached by ClinVar (database versions not stated): TOPMed 0.00001; gnomAD 0.00007.
gnomAD v4.1: 40 of 1,282,812 alleles (0.0031%); highest among the groups gnomAD compares: Non-Finnish European, 0.0037%; no homozygotes.

Submissions (8):

Labcorp Genetics (formerly Invitae), Labcorp
Classification: Pathogenic for Autosomal recessive limb-girdle muscular dystrophy type 2E. Last evaluated: 2025-12-19. Review status: criteria provided, single submitter. Criteria: Invitae Variant Classification Sherloc (09022015). Collection method: clinical testing. Allele origin: germline.
Comment: This sequence change creates a premature translational stop signal (p.Gln11*) in the SGCB gene. It is expected to result in an absent or disrupted protein product. Loss-of-function variants in SGCB are known to be pathogenic (PMID: 15938573, 18285821). This variant is present in population databases (no rsID available, gnomAD 0.01%). This premature translational stop signal has been observed in individuals with limb girdle muscular dystrophy (PMID: 9032047, 10993494, 19770540). ClinVar contains an entry for this variant (Variation ID: 284502). Algorithms developed to predict the effect of sequence changes on RNA splicing suggest that this variant may disrupt the consensus splice site. For these reasons, this variant has been classified as Pathogenic.

Revvity Omics, Revvity
Classification: Pathogenic for Autosomal recessive limb-girdle muscular dystrophy type 2E. Last evaluated: 2024-10-29. Review status: criteria provided, single submitter. Criteria: ACMG Guidelines, 2015. Collection method: clinical testing. Allele origin: germline.

Natera, Inc.
Classification: Pathogenic for Limb-girdle muscular dystrophy type 2E. Last evaluated: 2024-09-18. Review status: criteria provided, single submitter. Criteria: Natera Variant Classification Schema (03/2026). Collection method: clinical testing. Allele origin: germline.
Comment: The c.31C>T variant in SGCB is a nonsense variant predicted to introduce a stop codon at amino acid 11. This variant is expected to result in nonsense mediated decay, truncation, or a dysfunctional protein product. This variant is rare in the general population with a frequency below the threshold expected for the associated phenotype(s). This variant has been observed in one or more individuals affected with the associated recessive disease, as either homozygous or compound heterozygous with a second variant (PMID: 30919934, 10993494). Given the available evidence, this variant is classified as Pathogenic.

Baylor Genetics
Classification: Pathogenic for Autosomal recessive limb-girdle muscular dystrophy type 2E. Last evaluated: 2024-02-29. Review status: criteria provided, single submitter. Criteria: ACMG Guidelines, 2015. Collection method: clinical testing. Allele origin: unknown.

CeGaT Center for Human Genetics Tuebingen
Classification: Pathogenic. Last evaluated: 2021-03-01. Review status: criteria provided, single submitter. Criteria: CeGaT Center For Human Genetics Tuebingen Variant Classification Criteria Version 2. Collection method: clinical testing. Allele origin: germline. Affected: yes. Observed: 4 variant alleles.

Illumina Laboratory Services, Illumina
Classification: Likely pathogenic for Beta-sarcoglycanopathy. Last evaluated: 2016-09-27. Review status: criteria provided, single submitter. Criteria: ICSL Variant Classification Criteria 09 May 2019. Collection method: clinical testing. Allele origin: germline.
Comment: The SGCB c.31C>T (p.Gln11Ter) variant is a stop-gained variant that is predicted to result in premature termination of the protein. This variant has been described in four studies, in which it is found in a compound heterozygous state in four unrelated individuals with beta-sarcoglycanopathy, or limb-girdle muscular dystrophy type 2E (Duggan et al. 1997; Ginjaar et al. 2000; Love et al. 2004; Khadilkar et al. 2009). Control data are unavailable for this variant, which is not found in the 1000 Genomes Project, the Exome Sequencing Project, or the Exome Aggregation Consortium. Based on the evidence from the literature and the potential impact of stop-gained variants, the p.Gln11Ter variant is classified as likely pathogenic for beta-sarcoglycanopathy. This variant was observed by ICSL as part of a predisposition screen in an ostensibly healthy population.

Illumina Laboratory Services, Illumina
Classification: Likely pathogenic for Limb-Girdle Muscular Dystrophy, Recessive. Last evaluated: 2016-06-14. Review status: criteria provided, single submitter. Criteria: ICSL Variant Classification 20161018. Collection method: clinical testing. Allele origin: germline.
Comment: The c.31C>T (p.Gln11Ter) variant is a stop-gained variant that has been described in four studies, in which it is found in a compound heterozygous state in four limb-girdle muscular dystrophy patients (Duggan et al. 1997; Ginjaar et al. 2000; Love et al. 2004; Khadilkar et al. 2009). Control data are unavailable for this variant which is not found in the 1000 Genomes Project, the Exome Sequencing Project, or the Exome Aggregation Consortium. Based on the potential impact of stop-gained variants and evidence from the literature the p.Gln11Ter variant is classified as likely pathogenic for recessive limb-girdle muscular dystrophy.

Eurofins Ntd Llc (ga)
Classification: Pathogenic. Last evaluated: 2015-11-05. Review status: criteria provided, single submitter. Criteria: EGL Classification Definitions 2015. Collection method: clinical testing. Allele origin: germline. Observed: 1 variant allele, 1 heterozygote.

Literature cited by the submitters: PubMed 15938573 (cited by Labcorp Genetics (formerly Invitae), Labcorp and Illumina Laboratory Services, Illumina); PubMed 18285821 (cited by Labcorp Genetics (formerly Invitae), Labcorp); PubMed 9032047 (cited by Labcorp Genetics (formerly Invitae), Labcorp and Illumina Laboratory Services, Illumina); PubMed 10993494 (cited by 3 submitters); PubMed 19770540 (cited by Labcorp Genetics (formerly Invitae), Labcorp and Illumina Laboratory Services, Illumina); PubMed 30919934 (cited by Natera, Inc.); PubMed 15032976 (cited by Illumina Laboratory Services, Illumina); PubMed 7581449 (cited by Illumina Laboratory Services, Illumina).